The following is an entry in ClinVar:

NM_014324.6(AMACR):c.942G>A (p.Ser314=)

Genes: AMACR (alpha-methylacyl-CoA racemase; minus strand), C1QTNF3-AMACR (C1QTNF3-AMACR readthrough (NMD candidate); minus strand). Cytogenetic location: 5p13.2.
Variant type: single nucleotide variant.
Coding change: c.942G>A on transcript NM_014324.6 (MANE Select); coding-DNA position 942, G replaced by A.
Protein change: p.Ser314=; no amino-acid change (serine 314 retained).
Molecular consequence: synonymous variant. On other transcripts: non-coding transcript variant (1), 3 prime UTR variant (1).
Genome position (GRCh38, 1-based): chr5:33,989,300, C>T on the plus strand (G>A on the coding strand, the complement: AMACR is on the minus strand). VCF-style: chr5-33989300-C-T. GRCh37 (hg19) VCF-style: chr5-33989405-C-T.
Other names: c.942G>A (NM_014324.5); c.942G>A, p.Ser314= (NM_001167595.2); c.*184G>A (NM_203382.3).
Identifiers: ClinVar variation 1559017 (VCV001559017.10), dbSNP rs139973015, ClinGen allele CA3225993.

ClinVar aggregate classification (germline): Likely benign. Review status: criteria provided, single submitter (1 of 4 stars). 2 submissions from 2 submitters: Likely benign (1). 1 of the submissions does not count toward it. Last evaluated 2025-09-02.

Conditions:
Alpha-methylacyl-CoA racemase deficiency (AMACRD). Also called: AMACR deficiency. Identifiers: Orphanet 79095, MedGen C3280428, MONDO:0013681, OMIM 614307. Disease mechanism: loss of function.
AMACR-related disorder. Also called: AMACR-Related Disorders; AMACR-related condition.

Allele frequency attached by ClinVar (database versions not stated): gnomAD 0.00001 and 0.00003; ExAC 0.00002; gnomAD exomes 0.00002; TOPMed 0.00002; ESP Exome Variant Server 0.00015; 1000 Genomes Project 30x 0.00016; 1000 Genomes Project 0.00020.
gnomAD v4.1: 47 of 1,614,102 alleles (0.0029%); highest among the groups gnomAD compares: Non-Finnish European, 0.0035%; no homozygotes.

Submissions (2):

Labcorp Genetics (formerly Invitae), Labcorp
Classification: Likely benign for Alpha-methylacyl-CoA racemase deficiency. Last evaluated: 2025-09-02. Review status: criteria provided, single submitter. Criteria: Invitae Variant Classification Sherloc (09022015). Collection method: clinical testing. Allele origin: germline.

PreventionGenetics, part of Exact Sciences
Classification: Likely benign for AMACR-related condition. Last evaluated: 2024-02-21. Review status: no assertion criteria provided. Collection method: clinical testing. Allele origin: germline. Not counted in ClinVar's aggregate classification.
Comment: This variant is classified as likely benign based on ACMG/AMP sequence variant interpretation guidelines (Richards et al. 2015 PMID: 25741868, with internal and published modifications).